The following is an entry in ClinVar:

ClinVar aggregate classification (germline): Benign. Review status: criteria provided, single submitter (1 of 4 stars). 3 submissions from 3 submitters: Benign (1). 2 of the submissions do not count toward it. Last evaluated 2025-10-21.

Conditions:
XRCC3-related disorder. Also called: XRCC3-related condition.
Melanoma, cutaneous malignant, susceptibility to, 6. Also called: Cutaneous malignant melanoma 6. Identifiers: Orphanet 618, MedGen C3151417, MONDO:0013510, OMIM 613972.

Allele frequency attached by ClinVar (database versions not stated): gnomAD exomes 0.29002 and 0.34636; 1000 Genomes Project 0.21685; ExAC 0.30751; gnomAD 0.29654 and 0.30066; 1000 Genomes Project 30x 0.22017; TOPMed 0.29157.
gnomAD v4.1: 549,732 of 1,611,814 alleles (34%); highest among the groups gnomAD compares: Middle Eastern, 39%; 98,522 homozygotes.

Submissions (3):

Labcorp Genetics (formerly Invitae), Labcorp
Classification: Benign. Last evaluated: 2025-10-21. Review status: criteria provided, single submitter. Criteria: Invitae Variant Classification Sherloc (09022015). Collection method: clinical testing. Allele origin: germline.

PreventionGenetics, part of Exact Sciences
Classification: Benign for XRCC3-related condition. Last evaluated: 2019-10-17. Review status: no assertion criteria provided. Collection method: clinical testing. Allele origin: germline. Not counted in ClinVar's aggregate classification.
Comment: This variant is classified as benign based on ACMG/AMP sequence variant interpretation guidelines (Richards et al. 2015 PMID: 25741868, with internal and published modifications).

OMIM
Classification: risk factor for MELANOMA, CUTANEOUS MALIGNANT, SUSCEPTIBILITY TO, 6. Last evaluated: 2000-10-15. Review status: no assertion criteria provided. Collection method: literature only. Allele origin: germline. Not counted in ClinVar's aggregate classification.

Literature cited by the submitters: PubMed 11059748 (cited by OMIM).

NM_005432.4(XRCC3):c.722C>T (p.Thr241Met)

Genes: KLC1 (kinesin light chain 1; plus strand), XRCC3 (X-ray repair cross complementing 3; minus strand). Cytogenetic location: 14q32.33.
Variant type: single nucleotide variant.
Coding change: c.722C>T on transcript NM_005432.4 (MANE Select); coding-DNA position 722, C replaced by T.
Protein change: p.Thr241Met; replaces threonine 241 with methionine.
Molecular consequence: missense variant. On other transcripts: intron variant (15).
Genome position (GRCh38, 1-based): chr14:103,699,416, G>A on the plus strand (C>T on the coding strand, the complement: XRCC3 is on the minus strand). VCF-style: chr14-103699416-G-A. GRCh37 (hg19) VCF-style: chr14-104165753-G-A.
Other names: c.722C>T, p.Thr241Met (NM_001100118.2, NM_001100119.2, NM_001371229.1 and 2 more transcripts); c.1924-1239G>A (NM_001394832.1); c.1857-1239G>A (NM_001394836.1); c.1726-1239G>A (NM_001394846.1); c.1897-1239G>A (NM_001394834.1); c.1830-1239G>A (NM_001394839.1); c.1699-1239G>A (NM_001394848.1); c.1849-1239G>A (NM_001394837.1); and 8 more; short protein forms T241M.
Identifiers: ClinVar variation 8944 (VCV000008944.6), dbSNP rs861539, ClinGen allele CA120004.
Genomic context (GRCh38, chr14:103,699,416, plus strand): 5'-GTGCTCACCTGGTTGATGCACAGCACAGGGCTCTGGAAGGCACTGCTCAGCTCACGCAGC[G>A]TGGCCCCCAGGGACTGCAGATGCCTGGCCCTGGGGGCGGAGGCCTGGCTGTCAAATTCAC-3'
Protein context (NP_005423.1, residues 231-251): RARHLQSLGA[Thr241Met]LRELSSAFQS